The following is an entry in ClinVar:

ClinVar aggregate classification (germline): Uncertain significance (1 of 4 stars; one submission).

Submission:

Labcorp Genetics (formerly Invitae), Labcorp
Classification: Uncertain significance. Last evaluated: 2025-08-25. Review status: criteria provided, single submitter. Criteria: Invitae Variant Classification Sherloc (09022015). Collection method: clinical testing. Allele origin: germline.
Comment: This variant, c.32_43del, results in the deletion of 4 amino acid(s) of the ADCY1 protein (p.Gly11_Gly14del), but otherwise preserves the integrity of the reading frame. The frequency data for this variant in the population databases is considered unreliable, as metrics indicate poor data quality at this position in the gnomAD database. This variant has not been reported in the literature in individuals affected with ADCY1-related conditions. Experimental studies and prediction algorithms are not available or were not evaluated, and the functional significance of this variant is currently unknown. In summary, the available evidence is currently insufficient to determine the role of this variant in disease. Therefore, it has been classified as a Variant of Uncertain Significance.

NM_021116.4(ADCY1):c.20GCGGAGGCGGCG[1] (p.Gly11_Gly14del)

Gene: ADCY1 (adenylate cyclase 1; plus strand). Cytogenetic location: 7p12.3.
Variant type: Microsatellite.
Coding change: c.20GCGGAGGCGGCG[1] on transcript NM_021116.4 (MANE Select); one copy of the 12-base unit GCGGAGGCGGCG starting at c.20; the reference has two copies in a row; one copy, 12 bases deleted.
Protein change: p.Gly11_Gly14del.
Molecular consequence: inframe deletion. On other transcripts: intron variant (1).
Genome position (GRCh38, 1-based): chr7:45,574,575-45,574,586, GCGGAGGCGGCG deleted; deleting any 12 consecutive bases within chr7:45,574,560-45,574,586 gives the same sequence; the position shown is the placement nearest the transcript's 3' end. VCF-style (leftmost placement, unchanged base first): chr7-45574559-CGCGGCGGAGGCG-C. GRCh37 (hg19) VCF-style: chr7-45614158-CGCGGCGGAGGCG-C.
Other names: c.-330-314_-330-303del (NM_001281768.2).
Identifiers: ClinVar variation 2958542 (VCV002958542.3), dbSNP rs968371618, ClinGen allele CA158280889.